The following is an entry in ClinVar:

ClinVar aggregate classification (germline): Pathogenic (1 of 4 stars; one submission).

Submission:

Labcorp Genetics (formerly Invitae), Labcorp
Classification: Pathogenic. Last evaluated: 2023-07-17. Review status: criteria provided, single submitter. Criteria: Invitae Variant Classification Sherloc (09022015). Collection method: clinical testing. Allele origin: germline.
Comment: This variant is a gross deletion of the genomic region encompassing exon(s) 4-13 of the PRPF31 gene. While this deletion is not anticipated to lead to nonsense mediated decay, it is expected to disrupt the C-terminus of the protein. A similar copy number variant has been observed in individuals with retinitis pigmentosa (PMID: 17003455, 28041643). It has also been observed to segregate with disease in related individuals. For these reasons, this variant has been classified as Pathogenic.

Literature cited by the submitters: PubMed 17003455; PubMed 28041643.

NC_000019.9:g.(?_54625219)_(54632765_?)del

Gene: PRPF31 (pre-mRNA processing factor 31; plus strand). Cytogenetic location: 19q13.42.
Variant type: Deletion.
Identifiers: ClinVar variation 1459907 (VCV001459907.6).